The following is an entry in ClinVar:

ClinVar aggregate classification (germline): Pathogenic (1 of 4 stars; one submission).

Conditions:
Glycogen storage disease, type IV (GSD4). Also called: BRANCHER DEFICIENCY; AMYLOPECTINOSIS; ANDERSEN DISEASE; CIRRHOSIS, FAMILIAL, WITH DEPOSITION OF ABNORMAL GLYCOGEN; Glycogen storage disease due to glycogen branching enzyme deficiency; GBE1 DEFICIENCY. Identifiers: Orphanet 367, MedGen C0017923, MONDO:0009292, OMIM 232500.
Glycogen storage disease IV, classic hepatic. Also called: GSD IV, CLASSIC HEPATIC. Identifiers: MedGen C1856301.

Submission:

Labcorp Genetics (formerly Invitae), Labcorp
Classification: Pathogenic for Glycogen storage disease, type IV; Glycogen storage disease IV, classic hepatic. Last evaluated: 2023-10-29. Review status: criteria provided, single submitter. Criteria: Invitae Variant Classification Sherloc (09022015). Collection method: clinical testing. Allele origin: germline.
Comment: This sequence change creates a premature translational stop signal (p.His203Argfs*7) in the GBE1 gene. It is expected to result in an absent or disrupted protein product. Loss-of-function variants in GBE1 are known to be pathogenic (PMID: 15452297, 20058079). This variant is present in population databases (no rsID available, gnomAD 0.0009%). This variant has not been reported in the literature in individuals affected with GBE1-related conditions. For these reasons, this variant has been classified as Pathogenic.

Literature cited by the submitters: PubMed 15452297; PubMed 20058079.

NM_000158.4(GBE1):c.608_609del (p.His203fs)

Gene: GBE1 (1,4-alpha-glucan branching enzyme 1; minus strand). Cytogenetic location: 3p12.2.
Variant type: Deletion.
Coding change: c.608_609del on transcript NM_000158.4 (MANE Select); coding-DNA positions 608 to 609, 2 bases deleted (AT; older notation c.608_609delAT).
Protein change: p.His203fs; shifts the reading frame from histidine 203.
Molecular consequence: frameshift variant.
Genome position (GRCh38, 1-based): chr3:81,648,938-81,648,939, AT deleted on the plus strand (AT on the coding strand, the reverse complement: GBE1 is on the minus strand). VCF-style (leftmost placement, unchanged base first): chr3-81648937-CAT-C. GRCh37 (hg19) VCF-style: chr3-81698088-CAT-C.
Other names: short protein forms H203fs.
Identifiers: ClinVar variation 2953389 (VCV002953389.3), dbSNP rs1344212943, ClinGen allele CA544278619.